The following is an entry in ClinVar:

ClinVar aggregate classification (germline): Pathogenic (1 of 4 stars; one submission).

Submission:

Labcorp Genetics (formerly Invitae), Labcorp
Classification: Pathogenic. Last evaluated: 2022-08-19. Review status: criteria provided, single submitter. Criteria: Invitae Variant Classification Sherloc (09022015). Collection method: clinical testing. Allele origin: germline.
Comment: For these reasons, this variant has been classified as Pathogenic. This variant disrupts the C-terminus of the RP1 protein. Many variants that disrupt this region have been reported in individuals with either autosomal dominant or autosomal recessive retinitis pigmentosa (PMID: 11527933, 19933189, 29425069, 30027431, 33681214). Therefore, variants that disrupt this region are expected to be disease-causing. This variant has not been reported in the literature in individuals affected with RP1-related conditions. This variant is not present in population databases (gnomAD no frequency). This sequence change creates a premature translational stop signal (p.Leu1026Cysfs*15) in the RP1 gene. While this is not anticipated to result in nonsense mediated decay, it is expected to disrupt the last 1131 amino acid(s) of the RP1 protein.

Literature cited by the submitters: PubMed 11527933; PubMed 19933189; PubMed 29425069; PubMed 30027431; PubMed 33681214.

NM_006269.2(RP1):c.3077del (p.Leu1026fs)

Gene: RP1 (RP1 axonemal microtubule associated; plus strand). Cytogenetic location: 8q12.1.
Variant type: Deletion.
Coding change: c.3077del on transcript NM_006269.2 (MANE Select); coding-DNA position 3077, one base deleted (T; older notation c.3077delT).
Protein change: p.Leu1026fs; shifts the reading frame from leucine 1026.
Molecular consequence: frameshift variant. On other transcripts: intron variant (1).
Genome position (GRCh38, 1-based): chr8:54,626,959, T deleted; the last of 3 consecutive T bases (chr8:54,626,957-54,626,959); deleting any one gives the same sequence. VCF-style (leftmost placement, unchanged base first): chr8-54626956-CT-C. GRCh37 (hg19) VCF-style: chr8-55539516-CT-C.
Other names: c.787+4671del (NM_001375654.1); short protein forms L1026fs.
Identifiers: ClinVar variation 1966831 (VCV001966831.5), dbSNP rs1232637160, ClinGen allele CA853264679.